The following is an entry in ClinVar:

NM_001042545.2(LTBP4):c.992-270G>A

Gene: LTBP4 (latent transforming growth factor beta binding protein 4; plus strand). Cytogenetic location: 19q13.2.
Variant type: single nucleotide variant.
Coding change: c.992-270G>A on transcript NM_001042545.2 (MANE Select); 270 bases into the intron before coding-DNA position 992, G replaced by A.
Molecular consequence: intron variant.
Genome position (GRCh38, 1-based): chr19:40,607,095, G>A. VCF-style: chr19-40607095-G-A. GRCh37 (hg19) VCF-style: chr19-41113001-G-A.
Other names: c.1082-270G>A (NM_003573.2); c.1193-270G>A (NM_001042544.1).
Identifiers: ClinVar variation 668715 (VCV000668715.2), dbSNP rs73047967, ClinGen allele CA14702899.

ClinVar aggregate classification (germline): Benign. Review status: criteria provided, multiple submitters, no conflicts (2 of 4 stars). 2 submissions from 2 submitters: Benign (2). Last evaluated 2018-06-19.

Allele frequency attached by ClinVar (database versions not stated): TOPMed 0.15726; gnomAD 0.17665; 1000 Genomes Project 30x 0.18207; 1000 Genomes Project 0.18830.
gnomAD v4.1: 25,662 of 151,848 alleles (17%); highest among the groups gnomAD compares: East Asian, 28%; 2,411 homozygotes.

Submissions (2):

GeneDx
Classification: Benign. Last evaluated: 2018-06-19. Review status: criteria provided, single submitter. Criteria: GeneDx Variant Classification (06012015). Collection method: clinical testing. Allele origin: germline. Affected: yes.
Comment: This variant is considered likely benign or benign based on one or more of the following criteria: it is a conservative change, it occurs at a poorly conserved position in the protein, it is predicted to be benign by multiple in silico algorithms, and/or has population frequency not consistent with disease.

Breakthrough Genomics
Classification: Benign. Review status: criteria provided, single submitter. Criteria: ACMG Guidelines, 2015. Collection method: not provided. Allele origin: germline. Inheritance: Autosomal recessive inheritance. Affected: yes.